The following is an entry in ClinVar:

ClinVar aggregate classification (germline): Uncertain significance. Review status: criteria provided, single submitter (1 of 4 stars). 2 submissions from 2 submitters: Uncertain significance (1). 1 of the submissions does not count toward it. Last evaluated 2022-03-13.

Conditions:
Lethal osteosclerotic bone dysplasia (RNS). Also called: Osteomalacia, sclerosing, with cerebral calcification. Identifiers: Orphanet 1832, MedGen C1850106, MONDO:0009821, OMIM 259775.

Allele frequency attached by ClinVar (database versions not stated): gnomAD 0.00001 and 0.00002; gnomAD exomes 0.00001; TOPMed 0.00001.
gnomAD v4.1: 16 of 1,536,226 alleles (0.001%); highest among the groups gnomAD compares: Middle Eastern, 0.033%; no homozygotes.

Submissions (2):

Labcorp Genetics (formerly Invitae), Labcorp
Classification: Uncertain significance. Last evaluated: 2022-03-13. Review status: criteria provided, single submitter. Criteria: Invitae Variant Classification Sherloc (09022015). Collection method: clinical testing. Allele origin: germline.
Comment: This sequence change replaces arginine, which is basic and polar, with tryptophan, which is neutral and slightly polar, at codon 549 of the FAM20C protein (p.Arg549Trp). This variant is present in population databases (no rsID available, gnomAD 0.002%). This missense change has been observed in individuals with Raine syndrome (PMID: 17924334, 32337609). This variant is also known as 1603C>T (Arg535Trp). ClinVar contains an entry for this variant (Variation ID: 1025). Algorithms developed to predict the effect of missense changes on protein structure and function (SIFT, PolyPhen-2, Align-GVGD) all suggest that this variant is likely to be disruptive. Experimental studies have shown that this missense change affects FAM20C function (PMID: 25026495). In summary, the available evidence is currently insufficient to determine the role of this variant in disease. Therefore, it has been classified as a Variant of Uncertain Significance.

OMIM
Classification: Pathogenic for RAINE SYNDROME. Last evaluated: 2007-11-01. Review status: no assertion criteria provided. Collection method: literature only. Allele origin: germline. Not counted in ClinVar's aggregate classification.

Literature cited by the submitters: PubMed 17924334 (cited by Labcorp Genetics (formerly Invitae), Labcorp and OMIM); PubMed 32337609 (cited by Labcorp Genetics (formerly Invitae), Labcorp); PubMed 25026495 (cited by Labcorp Genetics (formerly Invitae), Labcorp); PubMed 2020859 (cited by OMIM).

NM_020223.4(FAM20C):c.1645C>T (p.Arg549Trp)

Gene: FAM20C (FAM20C golgi associated secretory pathway kinase; plus strand). Cytogenetic location: 7p22.3.
Variant type: single nucleotide variant.
Coding change: c.1645C>T on transcript NM_020223.4 (MANE Select); coding-DNA position 1645, C replaced by T.
Protein change: p.Arg549Trp; replaces arginine 549 with tryptophan.
Molecular consequence: missense variant.
Genome position (GRCh38, 1-based): chr7:259,870, C>T. VCF-style: chr7-259870-C-T. GRCh37 (hg19) VCF-style: chr7-299836-C-T.
Other names: R535W; short protein forms R549W.
Identifiers: ClinVar variation 1025 (VCV000001025.4), dbSNP rs796051850, ClinGen allele CA250013.